The following is an entry in ClinVar:

NM_007194.4(CHEK2):c.777T>C (p.Gly259=)

Gene: CHEK2 (checkpoint kinase 2; minus strand). Cytogenetic location: 22q12.1.
Variant type: single nucleotide variant.
Coding change: c.777T>C on transcript NM_007194.4 (MANE Select); coding-DNA position 777, T replaced by C.
Protein change: p.Gly259=; no amino-acid change (glycine 259 retained).
Molecular consequence: synonymous variant.
Genome position (GRCh38, 1-based): chr22:28,711,924, A>G on the plus strand (T>C on the coding strand, the complement: CHEK2 is on the minus strand). VCF-style: chr22-28711924-A-G. GRCh37 (hg19) VCF-style: chr22-29107912-A-G.
Other names: c.906T>C, p.Gly302= (NM_001005735.3); c.114T>C, p.Gly38= (NM_001257387.3); c.576T>C, p.Gly192= (NM_001349956.3); c.777T>C, p.Gly259= (NM_145862.3).
Identifiers: ClinVar variation 232541 (VCV000232541.17), dbSNP rs876659828, ClinGen allele CA10581078.

ClinVar aggregate classification (germline): Benign/Likely benign. Review status: criteria provided, multiple submitters, no conflicts (2 of 4 stars). 5 submissions from 5 submitters: Benign (1); Likely benign (4). Last evaluated 2026-01-14.

Conditions:
Familial cancer of breast. Also called: BREAST CANCER, FAMILIAL; hereditary breast carcinoma; Hereditary breast cancer. Identifiers: Orphanet 227535, MedGen C0346153, MONDO:0016419, OMIM 114480. Disease mechanism: loss of function.
Hereditary cancer-predisposing syndrome. Also called: Neoplastic Syndromes, Hereditary; Tumor predisposition; Hereditary Cancer Syndrome; Hereditary neoplastic syndrome. Identifiers: Orphanet 140162, MedGen C0027672, MeSH D009386, MONDO:0015356.

Allele frequency attached by ClinVar (database versions not stated): TOPMed below 0.00001.

Submissions (5):

Labcorp Genetics (formerly Invitae), Labcorp
Classification: Likely benign for Familial cancer of breast. Last evaluated: 2026-01-14. Review status: criteria provided, single submitter. Criteria: Invitae Variant Classification Sherloc (09022015). Collection method: clinical testing. Allele origin: germline.

Myriad Genetics, Inc.
Classification: Benign for Familial cancer of breast. Last evaluated: 2024-10-03. Review status: criteria provided, single submitter. Criteria: Myriad Autosomal Dominant, Autosomal Recessive and X-Linked Classification Criteria (2023). Collection method: clinical testing. Allele origin: unknown.
Comment: This variant is considered benign. This variant is a silent/synonymous amino acid change and it is not expected to impact splicing.

Color Diagnostics, LLC DBA Color Health
Classification: Likely benign for Hereditary cancer-predisposing syndrome. Last evaluated: 2018-01-05. Review status: criteria provided, single submitter. Criteria: ACMG Guidelines, 2015. Collection method: clinical testing. Allele origin: germline.

GeneDx
Classification: Likely benign. Last evaluated: 2015-12-15. Review status: criteria provided, single submitter. Criteria: GeneDx Variant Classification (06012015). Collection method: clinical testing. Allele origin: germline. Affected: yes.
Comment: This variant is considered likely benign or benign based on one or more of the following criteria: it is a conservative change, it occurs at a poorly conserved position in the protein, it is predicted to be benign by multiple in silico algorithms, and/or has population frequency not consistent with disease.

Ambry Genetics
Classification: Likely benign for Hereditary cancer-predisposing syndrome. Last evaluated: 2015-06-19. Review status: criteria provided, single submitter. Criteria: Ambry Variant Classification Scheme 2023. Collection method: clinical testing. Allele origin: germline.